The following is an entry in ClinVar:

ClinVar aggregate classification (germline): Benign/Likely benign. Review status: criteria provided, multiple submitters, no conflicts (2 of 4 stars). 2 submissions from 2 submitters: Benign (1); Likely benign (1). Last evaluated 2026-02-02.

Allele frequency attached by ClinVar (database versions not stated): gnomAD exomes 0.00088 and 0.00237; ExAC 0.00707; 1000 Genomes Project 0.00978; gnomAD 0.01069 and 0.01147; 1000 Genomes Project 30x 0.01109; TOPMed 0.01213; ESP Exome Variant Server 0.01231.

Submissions (2):

Labcorp Genetics (formerly Invitae), Labcorp
Classification: Benign. Last evaluated: 2026-02-02. Review status: criteria provided, single submitter. Criteria: Invitae Variant Classification Sherloc (09022015). Collection method: clinical testing. Allele origin: germline.

GeneDx
Classification: Likely benign. Last evaluated: 2023-10-20. Review status: criteria provided, single submitter. Criteria: GeneDx Variant Classification Process June 2021. Collection method: clinical testing. Allele origin: germline. Affected: yes.
Comment: See Variant Classification Assertion Criteria.

NM_014727.3(KMT2B):c.3335-6del

Gene: KMT2B (lysine methyltransferase 2B; plus strand). Cytogenetic location: 19q13.12.
Variant type: Deletion.
Coding change: c.3335-6del on transcript NM_014727.3 (MANE Select); 6 bases into the intron before coding-DNA position 3335, one base deleted (G; older notation c.3335-6delG).
Molecular consequence: intron variant.
Genome position (GRCh38, 1-based): chr19:35,724,631, G deleted. VCF-style (leftmost placement, unchanged base first): chr19-35724630-TG-T. GRCh37 (hg19) VCF-style: chr19-36215531-TG-T.
Identifiers: ClinVar variation 790760 (VCV000790760.14), dbSNP rs11348412, ClinGen allele CA9384730.